The following is an entry in ClinVar:

ClinVar aggregate classification (germline): Uncertain significance (1 of 4 stars; one submission).

Conditions:
Peroxisome biogenesis disorder 12A (Zellweger). Also called: Peroxisome biogenesis disorder 12A. Identifiers: Orphanet 912, MedGen C3554002, MONDO:0013951, OMIM 614886.

Allele frequency attached by ClinVar (database versions not stated): gnomAD exomes below 0.00001; TOPMed below 0.00001.
gnomAD v4.1: 4 of 1,609,598 alleles (0.00025%); highest among the groups gnomAD compares: Admixed American, 0.0017%; no homozygotes.

Submission:

Labcorp Genetics (formerly Invitae), Labcorp
Classification: Uncertain significance for Peroxisome biogenesis disorder 12A (Zellweger). Last evaluated: 2022-10-13. Review status: criteria provided, single submitter. Criteria: Invitae Variant Classification Sherloc (09022015). Collection method: clinical testing. Allele origin: germline.
Comment: This variant is present in population databases (no rsID available, gnomAD 0.003%). In summary, the available evidence is currently insufficient to determine the role of this variant in disease. Therefore, it has been classified as a Variant of Uncertain Significance. Variants that disrupt the consensus splice site are a relatively common cause of aberrant splicing (PMID: 17576681, 9536098). Algorithms developed to predict the effect of sequence changes on RNA splicing suggest that this variant may create or strengthen a splice site. ClinVar contains an entry for this variant (Variation ID: 1377291). This variant has not been reported in the literature in individuals affected with PEX19-related conditions. This sequence change falls in intron 1 of the PEX19 gene. It does not directly change the encoded amino acid sequence of the PEX19 protein. It affects a nucleotide within the consensus splice site.

Literature cited by the submitters: PubMed 17576681; PubMed 9536098.

NM_002857.4(PEX19):c.70+5G>C

Gene: PEX19 (peroxisomal biogenesis factor 19; minus strand). Cytogenetic location: 1q23.2.
Variant type: single nucleotide variant.
Coding change: c.70+5G>C on transcript NM_002857.4 (MANE Select); 5 bases into the intron after coding-DNA position 70, G replaced by C.
Molecular consequence: intron variant.
Genome position (GRCh38, 1-based): chr1:160,285,050, C>G on the plus strand (G>C on the coding strand, the complement: PEX19 is on the minus strand). VCF-style: chr1-160285050-C-G. GRCh37 (hg19) VCF-style: chr1-160254840-C-G.
Other names: c.70+5G>C (NM_001193644.1).
Identifiers: ClinVar variation 1377291 (VCV001377291.5), dbSNP rs1158588649, ClinGen allele CA526599650.